The following is an entry in ClinVar:

ClinVar aggregate classification (germline): Uncertain significance (1 of 4 stars; one submission).

Allele frequency attached by ClinVar (database versions not stated): gnomAD 0.00001; ExAC 0.00002; gnomAD exomes 0.00002.
gnomAD v4.1: 12 of 1,613,586 alleles (0.00074%); highest among the groups gnomAD compares: East Asian, 0.0067%; no homozygotes.

Submission:

Labcorp Genetics (formerly Invitae), Labcorp
Classification: Uncertain significance. Last evaluated: 2025-06-29. Review status: criteria provided, single submitter. Criteria: Invitae Variant Classification Sherloc (09022015). Collection method: clinical testing. Allele origin: germline.
Comment: This sequence change replaces arginine, which is basic and polar, with glutamine, which is neutral and polar, at codon 614 of the MYO18B protein (p.Arg614Gln). This variant is present in population databases (rs757456424, gnomAD 0.01%). This variant has not been reported in the literature in individuals affected with MYO18B-related conditions. ClinVar contains an entry for this variant (Variation ID: 1404231). An algorithm developed to predict the effect of missense changes on protein structure and function outputs the following: PolyPhen-2: "Benign". The glutamine amino acid residue is found in multiple mammalian species, which suggests that this missense change does not adversely affect protein function. In summary, the available evidence is currently insufficient to determine the role of this variant in disease. Therefore, it has been classified as a Variant of Uncertain Significance.

NM_032608.7(MYO18B):c.1841G>A (p.Arg614Gln)

Gene: MYO18B (myosin XVIIIB; plus strand). Cytogenetic location: 22q12.1.
Variant type: single nucleotide variant.
Coding change: c.1841G>A on transcript NM_032608.7 (MANE Select); coding-DNA position 1841, G replaced by A.
Protein change: p.Arg614Gln; replaces arginine 614 with glutamine.
Molecular consequence: missense variant.
Genome position (GRCh38, 1-based): chr22:25,772,482, G>A. VCF-style: chr22-25772482-G-A. GRCh37 (hg19) VCF-style: chr22-26168449-G-A.
Other names: c.1841G>A, p.Arg614Gln (NM_001318245.2); short protein forms R614Q.
Identifiers: ClinVar variation 1404231 (VCV001404231.6), dbSNP rs757456424, ClinGen allele CA10159964.